The following is an entry in ClinVar:

NM_003119.4(SPG7):c.638G>A (p.Arg213Gln)

Gene: SPG7 (SPG7 matrix AAA peptidase subunit, paraplegin; plus strand). Cytogenetic location: 16q24.3.
Variant type: single nucleotide variant.
Coding change: c.638G>A on transcript NM_003119.4 (MANE Select); coding-DNA position 638, G replaced by A.
Protein change: p.Arg213Gln; replaces arginine 213 with glutamine.
Molecular consequence: missense variant.
Genome position (GRCh38, 1-based): chr16:89,526,348, G>A. VCF-style: chr16-89526348-G-A. GRCh37 (hg19) VCF-style: chr16-89592756-G-A.
Other names: p.Arg213Gln; c.638G>A, p.Arg213Gln (NM_001363850.1, NM_199367.3); c.638G>A (NM_003119.2); short protein forms R213Q.
Identifiers: ClinVar variation 870873 (VCV000870873.54), dbSNP rs147673636, ClinGen allele CA8243732.

ClinVar aggregate classification (germline): Conflicting classifications of pathogenicity. Review status: criteria provided, conflicting classifications (1 of 4 stars). 7 submissions from 7 submitters: Uncertain significance (6); Likely benign (1). Last evaluated 2025-11-28.

Conditions:
Hereditary spastic paraplegia. Also called: Familial spastic paraparesis. Identifiers: Orphanet 685, MedGen C0037773, MONDO:0019064. Disease mechanism: loss of function.
Hereditary spastic paraplegia 7 (SPG7). Also called: Spastic paraplegia 7; Hereditary spastic paraplegia Paraplegin type; Autosomal recessive spastic paraplegia type 7; SPASTIC PARAPLEGIA 7, AUTOSOMAL RECESSIVE, WITH OR WITHOUT CEREBELLAR ATAXIA; SPG7-related neurologic disorder. Identifiers: Orphanet 99013, MedGen C1846564, MONDO:0011803, OMIM 607259.
Inborn genetic diseases. Identifiers: MedGen C0950123, MeSH D030342.

Allele frequency attached by ClinVar (database versions not stated): ExAC 0.00008; gnomAD exomes 0.00010; ESP Exome Variant Server 0.00023; TOPMed 0.00030.
gnomAD v4.1: 78 of 1,614,014 alleles (0.0048%); highest among the groups gnomAD compares: African/African-American, 0.083%; no homozygotes.

Submissions (7):

Mayo Clinic Laboratories, Mayo Clinic
Classification: Uncertain significance. Last evaluated: 2025-11-28. Review status: criteria provided, single submitter. Criteria: ACMG Guidelines, 2015. Collection method: clinical testing. Allele origin: germline. Observed: 1 variant allele.
Comment: PM2_supporting

GeneDx
Classification: Uncertain significance. Last evaluated: 2025-05-15. Review status: criteria provided, single submitter. Criteria: GeneDx Variant Classification Process June 2021. Collection method: clinical testing. Allele origin: germline. Affected: yes.
Comment: In silico analysis suggests that this missense variant does not alter protein structure/function; Has not been previously published as pathogenic or benign to our knowledge; This variant is associated with the following publications: (PMID: 22571692)

Labcorp Genetics (formerly Invitae), Labcorp
Classification: Likely benign for Hereditary spastic paraplegia 7. Last evaluated: 2025-01-27. Review status: criteria provided, single submitter. Criteria: Invitae Variant Classification Sherloc (09022015). Collection method: clinical testing. Allele origin: germline.

Ambry Genetics
Classification: Uncertain significance for Inborn genetic diseases. Last evaluated: 2024-03-07. Review status: criteria provided, single submitter. Criteria: Ambry Variant Classification Scheme 2023. Collection method: clinical testing. Allele origin: germline.

Blueprint Genetics
Classification: Uncertain significance. Last evaluated: 2021-08-24. Review status: criteria provided, single submitter. Criteria: ACMG Guidelines, 2015. Collection method: clinical testing. Allele origin: germline.

Genome Diagnostics Laboratory, The Hospital for Sick Children
Classification: Uncertain significance for Hereditary spastic paraplegia. Last evaluated: 2019-12-01. Review status: criteria provided, single submitter. Criteria: ACMG Guidelines, 2015. Collection method: clinical testing. Allele origin: germline. Affected: yes.

CeGaT Center for Human Genetics Tuebingen
Classification: Uncertain significance. Last evaluated: 2019-11-01. Review status: criteria provided, single submitter. Criteria: CeGaT Center For Human Genetics Tuebingen Variant Classification Criteria Version 2. Collection method: clinical testing. Allele origin: germline. Affected: yes. Observed: 1 variant allele.